The following is an entry in ClinVar:

NM_030665.4(RAI1):c.3965G>A (p.Arg1322Gln)

Gene: RAI1 (retinoic acid induced 1; plus strand). Cytogenetic location: 17p11.2.
Variant type: single nucleotide variant.
Coding change: c.3965G>A on transcript NM_030665.4 (MANE Select); coding-DNA position 3965, G replaced by A.
Protein change: p.Arg1322Gln; replaces arginine 1322 with glutamine.
Molecular consequence: missense variant.
Genome position (GRCh38, 1-based): chr17:17,796,913, G>A. VCF-style: chr17-17796913-G-A. GRCh37 (hg19) VCF-style: chr17-17700227-G-A.
Other names: short protein forms R1322Q.
Identifiers: ClinVar variation 1306794 (VCV001306794.3), dbSNP rs1204207609, ClinGen allele CA398555434.

ClinVar aggregate classification (germline): Uncertain significance. Review status: criteria provided, multiple submitters, no conflicts (2 of 4 stars). 2 submissions from 2 submitters: Uncertain significance (2). Last evaluated 2025-04-25.

Allele frequency attached by ClinVar (database versions not stated): TOPMed below 0.00001.

Submissions (2):

Labcorp Genetics (formerly Invitae), Labcorp
Classification: Uncertain significance. Last evaluated: 2025-04-25. Review status: criteria provided, single submitter. Criteria: Invitae Variant Classification Sherloc (09022015). Collection method: clinical testing. Allele origin: germline.
Comment: This sequence change replaces arginine, which is basic and polar, with glutamine, which is neutral and polar, at codon 1322 of the RAI1 protein (p.Arg1322Gln). This variant is not present in population databases (gnomAD no frequency). This variant has not been reported in the literature in individuals affected with RAI1-related conditions. ClinVar contains an entry for this variant (Variation ID: 1306794). Invitae Evidence Modeling of protein sequence and biophysical properties (such as structural, functional, and spatial information, amino acid conservation, physicochemical variation, residue mobility, and thermodynamic stability) indicates that this missense variant is expected to disrupt RAI1 protein function with a positive predictive value of 80%. In summary, the available evidence is currently insufficient to determine the role of this variant in disease. Therefore, it has been classified as a Variant of Uncertain Significance.

GeneDx
Classification: Uncertain significance. Last evaluated: 2019-06-27. Review status: criteria provided, single submitter. Criteria: GeneDx Variant Classification Process June 2021. Collection method: clinical testing. Allele origin: germline. Affected: yes.
Comment: Not observed in large population cohorts (Lek et al., 2016); In silico analysis, which includes protein predictors and evolutionary conservation, supports that this variant does not alter protein structure/function; Has not been previously published as pathogenic or benign to our knowledge